The following is an entry in ClinVar:

ClinVar aggregate classification (germline): Likely benign. Review status: reviewed by expert panel (3 of 4 stars). 5 submissions from 5 submitters: Likely benign (1). 4 of the submissions do not count toward it. Last evaluated 2026-08-03.

Conditions:
Maturity-onset diabetes of the young (MODY). Also called: Maturity onset diabetes mellitus in young. Identifiers: Orphanet 552, MedGen C0342276, MONDO:0018911, HP:0004904.
Maturity-onset diabetes of the young type 3. Also called: MODY type 3; MODY, type III. Identifiers: Orphanet 552, MedGen C1838100, MeSH C563933, MONDO:0010894, OMIM 600496. Disease mechanism: loss of function.
Monogenic diabetes. Identifiers: Orphanet 183625, MedGen C3888631, MONDO:0015967.

Allele frequency attached by ClinVar (database versions not stated): ExAC 0.00003; gnomAD 0.00006 and 0.00007; gnomAD exomes 0.00006 and 0.00009; TOPMed 0.00007.
gnomAD v4.1: 137 of 1,614,036 alleles (0.0085%); highest among the groups gnomAD compares: Admixed American, 0.013%; no homozygotes.

Submissions (5):

ClinGen Monogenic Diabetes Variant Curation Expert Panel
Classification: Likely benign for Monogenic diabetes. Last evaluated: 2026-08-03. Review status: reviewed by expert panel. Criteria: ClinGen Diabetes ACMG Specifications HNF1A V3.1.0. Collection method: curation. Allele origin: germline. Inheritance: Autosomal dominant inheritance.
Comment: The c.1061C>T variant in the HNF1 homeobox A gene, HNF1A, causes an amino acid change of threonine to methionine at codon 354 (p.(Thr354Met)) of NM_000545.8. This variant has a REVEL score of 0.505, which is between the ClinGen MDEP thresholds for BP4 and PP3, predicting neither a damaging nor benign impact on HNF1A function. This variant has a Grpmax Filtering allele frequency in gnomAD 4.1.0 of 0.00008175, which is greater than the MDEP threshold for BS1 (0.000033) (BS1). This variant was identified in eight unrelated individuals with non- autoimmune and non-absolute/near-absolute insulin-deficient diabetes; however, PS4_Moderate cannot be applied because the variant does not meet the PM2_Supporting cutoff (PMIDs: 20950394, 23348805, 25414397, 37327085, 37396188, internal lab contributors). One of these individuals did have a clinical history highly specific for HNF1A-monogenic diabetes (>50% MODY probability calculator result, negative HNF4A testing, and autoantibody negative) (PP4_Moderate; PMID: 37396188; internal lab contributors). This variant was also identified in a patient with an alternate molecular basis for disease (BP5; internal lab contributors). Functional studies demonstrated the p.Thr354Met protein has transactivation ~60% and nuclear localization ~68% of wildtype; however, this is between the ClinGen MDEP cutoffs for PS3 and BS3 (PMID: 32910913, 37396188). In summary, c.1061C>T meets the criteria to be classified as likely benign for monogenic diabetes. ACMG/AMP criteria applied, as specified by the ClinGen MDEP (specification version 3.1, approved 10/10/2025): BS1, BP5, PP4_Moderate.

Labcorp Genetics (formerly Invitae), Labcorp
Classification: Uncertain significance. Last evaluated: 2025-09-22. Review status: criteria provided, single submitter. Criteria: Invitae Variant Classification Sherloc (09022015). Collection method: clinical testing. Allele origin: germline. Not counted in ClinVar's aggregate classification.
Comment: This sequence change replaces threonine, which is neutral and polar, with methionine, which is neutral and non-polar, at codon 354 of the HNF1A protein (p.Thr354Met). This variant is present in population databases (rs757068809, gnomAD 0.02%). This missense change has been observed in individuals with HNF1A-related conditions (PMID: 25414397, 29207974, 29439679, 32910913). ClinVar contains an entry for this variant (Variation ID: 972811). Invitae Evidence Modeling of protein sequence and biophysical properties (such as structural, functional, and spatial information, amino acid conservation, physicochemical variation, residue mobility, and thermodynamic stability) indicates that this missense variant is not expected to disrupt HNF1A protein function with a negative predictive value of 80%. Experimental studies have shown that this missense change affects HNF1A function (PMID: 32910913, 37396188). In summary, the available evidence is currently insufficient to determine the role of this variant in disease. Therefore, it has been classified as a Variant of Uncertain Significance.

GeneDx
Classification: Uncertain significance. Last evaluated: 2023-11-08. Review status: criteria provided, single submitter. Criteria: GeneDx Variant Classification Process June 2021. Collection method: clinical testing. Allele origin: germline. Affected: yes. Not counted in ClinVar's aggregate classification.
Comment: Published functional studies demonstrate slightly reduced transactivation activity, however, the consequences of this result remain unclear (PMID: 37396188, 32910913); The frequency of this variant in large population cohorts is higher than expected for disorder(s) associated with this gene (gnomAD); In silico analysis supports that this missense variant does not alter protein structure/function; This variant is associated with the following publications: (PMID: 21224407, 27072194, 11058894, Zubkova2017[Case Report], ZubkovaA2017[Case Report], 32910913, 37798422, 37327085, 27913849, 37396188, 29439679, 29207974, 25414397, 18003757)

Broad Center for Mendelian Genomics, Broad Institute of MIT and Harvard
Classification: Uncertain significance for Maturity-onset diabetes of the young type 3. Last evaluated: 2020-01-22. Review status: criteria provided, single submitter. Criteria: ACMG Guidelines, 2015. Collection method: curation. Allele origin: germline. Inheritance: Autosomal dominant inheritance. Not counted in ClinVar's aggregate classification.
Comment: The p.Thr354Met variant in HNF1A has been reported in at least 5 individuals with MODY (PMID: 27913849, 11058894, 29207974, 18003757), but has been identified in 0.02% (6/35440) of Latino chromosomes and 0.009% (11/129110) of European (non-Finnish) chromosomes by the Genome Aggregation Database (gnomAD; dbSNP rs757068809). Computational prediction tools and conservation analyses do not provide strong support for or against an impact to the protein. In summary, the clinical significance of the p.Thr354Met variant is uncertain. ACMG/AMP Criteria applied: BS1, PS4 (Richards 2015).

Molecular Genetics, Madras Diabetes Research Foundation
Classification: Likely pathogenic for Maturity-onset diabetes of the young. Review status: criteria provided, single submitter. Criteria: ACMG Guidelines, 2015. Collection method: clinical testing. Allele origin: germline. Affected: yes. Not counted in ClinVar's aggregate classification.

Literature cited by the submitters: PubMed 20950394 (cited by ClinGen Monogenic Diabetes Variant Curation Expert Panel); PubMed 23348805 (cited by ClinGen Monogenic Diabetes Variant Curation Expert Panel); PubMed 25414397 (cited by ClinGen Monogenic Diabetes Variant Curation Expert Panel and Labcorp Genetics (formerly Invitae), Labcorp); PubMed 37327085 (cited by ClinGen Monogenic Diabetes Variant Curation Expert Panel); PubMed 37396188 (cited by ClinGen Monogenic Diabetes Variant Curation Expert Panel and Labcorp Genetics (formerly Invitae), Labcorp); PubMed 32910913 (cited by ClinGen Monogenic Diabetes Variant Curation Expert Panel and Labcorp Genetics (formerly Invitae), Labcorp); PubMed 29207974 (cited by Labcorp Genetics (formerly Invitae), Labcorp and Broad Center for Mendelian Genomics, Broad Institute of MIT and Harvard); PubMed 29439679 (cited by Labcorp Genetics (formerly Invitae), Labcorp and Molecular Genetics, Madras Diabetes Research Foundation); PubMed 27913849 (cited by Broad Center for Mendelian Genomics, Broad Institute of MIT and Harvard); PubMed 18003757 (cited by Broad Center for Mendelian Genomics, Broad Institute of MIT and Harvard); PubMed 11058894 (cited by Broad Center for Mendelian Genomics, Broad Institute of MIT and Harvard).

NM_000545.8(HNF1A):c.1061C>T (p.Thr354Met)

Gene: HNF1A (HNF1 homeobox A; plus strand). Cytogenetic location: 12q24.31.
Variant type: single nucleotide variant.
Coding change: c.1061C>T on transcript NM_000545.8 (MANE Select); coding-DNA position 1061, C replaced by T.
Protein change: p.Thr354Met; replaces threonine 354 with methionine.
Molecular consequence: missense variant.
Genome position (GRCh38, 1-based): chr12:120,996,367, C>T. VCF-style: chr12-120996367-C-T. GRCh37 (hg19) VCF-style: chr12-121434170-C-T.
Other names: NM_000545.8(HNF1A):c.1061C>T; p.Thr354Met; c.1061C>T, p.Thr354Met (NM_001306179.2); c.1061C>T (NM_000545.5); short protein forms T354M.
Identifiers: ClinVar variation 972811 (VCV000972811.9), dbSNP rs757068809, ClinGen allele CA6831916.